The following is an entry in ClinVar:

NM_013275.6(ANKRD11):c.2719_2730delinsT (p.Arg906_Lys907insTer)

Gene: ANKRD11 (ankyrin repeat domain containing 11; minus strand). Cytogenetic location: 16q24.3.
Variant type: Indel.
Coding change: c.2719_2730delinsT on transcript NM_013275.6 (MANE Select); coding-DNA positions 2719 to 2730, AAGAAGGACAGG replaced by T.
Protein change: p.Arg906_Lys907insTer.
Molecular consequence: nonsense.
Genome position (GRCh38, 1-based): chr16:89,283,812-89,283,823, CCTGTCCTTCTT replaced by A on the plus strand (AAGAAGGACAGG replaced by T on the coding strand, the reverse complement: ANKRD11 is on the minus strand). VCF-style: chr16-89283812-CCTGTCCTTCTT-A. GRCh37 (hg19) VCF-style: chr16-89350220-CCTGTCCTTCTT-A.
Other names: c.2719_2730delinsT, p.Arg906_Lys907insTer (NM_001256182.2, NM_001256183.2).
Identifiers: ClinVar variation 280310 (VCV000280310.1), dbSNP rs886041539, ClinGen allele CA10603565.

ClinVar aggregate classification (germline): Pathogenic (1 of 4 stars; one submission).

Submission:

GeneDx
Classification: Pathogenic. Last evaluated: 2016-02-29. Review status: criteria provided, single submitter. Criteria: GeneDx Variant Classification (06012015). Collection method: clinical testing. Allele origin: germline. Affected: yes.
Comment: The c.2719_2730del12insT pathogenic variant in the ANKRD11 gene has been not been reported previously as a pathogenic variant nor as a benign variant, to our knowledge. The c.2719_2730del12insT variant results in the replacement of the normal Lysine residue at position 907 with a premature Stop codon, denoted p.Lys907Ter. This variant is predicted to cause loss of normal protein function either through protein truncation or nonsense-mediated mRNA decay. The c.2719_2730del12insT variant was not observed in approximately 6,500 individuals of European and African American ancestry in the NHLBI Exome Sequencing Project, indicating it is not a common benign variant in these populations. We interpret c.2719_2730del12insT as a pathogenic variant.